The following is an entry in ClinVar:

ClinVar aggregate classification (germline): Uncertain significance. Review status: criteria provided, multiple submitters, no conflicts (2 of 4 stars). 2 submissions from 2 submitters: Uncertain significance (2). Last evaluated 2025-03-02.

Conditions:
Charcot-Marie-Tooth disease type 2. Also called: Charcot-Marie-Tooth type 2. Identifiers: Orphanet 64746, MedGen C0270914, MONDO:0018993.

Allele frequency attached by ClinVar (database versions not stated): gnomAD exomes below 0.00001.
gnomAD v4.1: 4 of 1,614,086 alleles (0.00025%); highest among the groups gnomAD compares: Non-Finnish European, 0.00025%; no homozygotes.

Submissions (2):

Labcorp Genetics (formerly Invitae), Labcorp
Classification: Uncertain significance for Charcot-Marie-Tooth disease type 2. Last evaluated: 2025-03-02. Review status: criteria provided, single submitter. Criteria: Invitae Variant Classification Sherloc (09022015). Collection method: clinical testing. Allele origin: germline.
Comment: This sequence change replaces threonine, which is neutral and polar, with serine, which is neutral and polar, at codon 1546 of the KIF1B protein (p.Thr1546Ser). This variant is not present in population databases (gnomAD no frequency). This variant has not been reported in the literature in individuals affected with KIF1B-related conditions. ClinVar contains an entry for this variant (Variation ID: 2448765). An algorithm developed to predict the effect of missense changes on protein structure and function (PolyPhen-2) suggests that this variant is likely to be tolerated. In summary, the available evidence is currently insufficient to determine the role of this variant in disease. Therefore, it has been classified as a Variant of Uncertain Significance.

Ambry Genetics
Classification: Uncertain significance. Last evaluated: 2023-02-03. Review status: criteria provided, single submitter. Criteria: Ambry Variant Classification Scheme 2023. Collection method: clinical testing. Allele origin: germline.
Comment: The p.T1546S variant (also known as c.4637C>G), located in coding exon 41 of the KIF1B gene, results from a C to G substitution at nucleotide position 4637. The threonine at codon 1546 is replaced by serine, an amino acid with similar properties. This amino acid position is conserved. In addition, this alteration is predicted to be tolerated by in silico analysis. Since supporting evidence is limited at this time, the clinical significance of this alteration remains unclear.

NM_001365951.3(KIF1B):c.4775C>G (p.Thr1592Ser)

Gene: KIF1B (kinesin family member 1B; plus strand). Cytogenetic location: 1p36.22.
Variant type: single nucleotide variant.
Coding change: c.4775C>G on transcript NM_001365951.3 (MANE Select); coding-DNA position 4775, C replaced by G.
Protein change: p.Thr1592Ser; replaces threonine 1592 with serine.
Molecular consequence: missense variant.
Genome position (GRCh38, 1-based): chr1:10,368,489, C>G. VCF-style: chr1-10368489-C-G. GRCh37 (hg19) VCF-style: chr1-10428547-C-G.
Other names: c.4775C>G, p.Thr1592Ser (NM_001365952.1); c.4637C>G, p.Thr1546Ser (NM_015074.3); short protein forms T1546S, T1592S.
Identifiers: ClinVar variation 2448765 (VCV002448765.3), dbSNP rs2521934650, ClinGen allele CA338324117.
Genomic context (GRCh38, chr1:10,368,489, plus strand): 5'-TTTTATGTTCAGCTTGCACTTCTCTTTCTCTTCTTTAGTGCCTGCAACTTCTCACCCACA[C>G]TTTCAACAGAGAATTCAGCCAGGTGCACGGCAGCGTCAGTGACTGTAAGGTGAGCACATT-3'
Protein context (NP_001352880.1, residues 1582-1602): ATKCLQLLTH[Thr1592Ser]FNREFSQVHG